The following is an entry in ClinVar:

NM_001171.6(ABCC6):c.1889_1890delinsTG (p.Thr630Met)

Gene: ABCC6 (ATP binding cassette subfamily C member 6; minus strand). Cytogenetic location: 16p13.11.
Variant type: Indel.
Coding change: c.1889_1890delinsTG on transcript NM_001171.6 (MANE Select); coding-DNA positions 1889 to 1890, CC replaced by TG.
Protein change: p.Thr630Met; replaces threonine 630 with methionine.
Molecular consequence: missense variant. On other transcripts: non-coding transcript variant (1).
Genome position (GRCh38, 1-based): chr16:16,185,012-16,185,013, GG replaced by CA on the plus strand (CC replaced by TG on the coding strand, the reverse complement: ABCC6 is on the minus strand). VCF-style: chr16-16185012-GG-CA. GRCh37 (hg19) VCF-style: chr16-16278869-GG-CA.
Other names: c.1547_1548delinsTG, p.Thr516Met (NM_001351800.1); short protein forms T516M, T630M.
Identifiers: ClinVar variation 1480679 (VCV001480679.6), dbSNP rs2152263591, ClinGen allele CA2573151908.

ClinVar aggregate classification (germline): Uncertain significance (1 of 4 stars; one submission).

Submission:

Labcorp Genetics (formerly Invitae), Labcorp
Classification: Uncertain significance. Last evaluated: 2021-10-11. Review status: criteria provided, single submitter. Criteria: Invitae Variant Classification Sherloc (09022015). Collection method: clinical testing. Allele origin: germline.
Comment: In summary, the available evidence is currently insufficient to determine the role of this variant in disease. Therefore, it has been classified as a Variant of Uncertain Significance. This sequence change replaces threonine with methionine at codon 630 of the ABCC6 protein (p.Thr630Met). The threonine residue is weakly conserved and there is a moderate physicochemical difference between threonine and methionine. The frequency data for this variant in the population databases is not available, as this variant may be reported as separate entries in the ExAC database. This variant has not been reported in the literature in individuals affected with ABCC6-related conditions. Algorithms developed to predict the effect of missense changes on protein structure and function are either unavailable or do not agree on the potential impact of this missense change (SIFT: "Not Available"; PolyPhen-2: "Benign"; Align-GVGD: "Not Available").